The following is an entry in ClinVar:

ClinVar aggregate classification (germline): Benign. Review status: criteria provided, multiple submitters, no conflicts (2 of 4 stars). 3 submissions from 3 submitters: Benign (3). Last evaluated 2018-11-12.

Conditions:
Desmosterolosis. Identifiers: Orphanet 35107, MedGen C1865596, MONDO:0011217, OMIM 602398.

Allele frequency attached by ClinVar (database versions not stated): gnomAD 0.00356 and 0.00243; ESP Exome Variant Server 0.00029; TOPMed 0.00460; 1000 Genomes Project 30x 0.01608; 1000 Genomes Project 0.01717; ExAC 0.00358.
gnomAD v4.1: 4,447 of 1,465,562 alleles (0.3%); highest among the groups gnomAD compares: East Asian, 9.4%; 221 homozygotes.

Submissions (3):

GeneDx
Classification: Benign. Last evaluated: 2018-11-12. Review status: criteria provided, single submitter. Criteria: GeneDx Variant Classification Process June 2021. Collection method: clinical testing. Allele origin: germline. Affected: yes.

Illumina Laboratory Services, Illumina
Classification: Benign for Desmosterolosis. Last evaluated: 2018-01-13. Review status: criteria provided, single submitter. Criteria: ICSL Variant Classification Criteria 13 December 2019. Collection method: clinical testing. Allele origin: germline.
Comment: This variant was observed in the ICSL laboratory as part of a predisposition screen in an ostensibly healthy population. It had not been previously curated by ICSL or reported in the Human Gene Mutation Database (HGMD: prior to June 1st, 2018), and was therefore a candidate for classification through an automated scoring system. Utilizing variant allele frequency, disease prevalence and penetrance estimates, and inheritance mode, an automated score was calculated to assess if this variant is too frequent to cause the disease. Based on the score and internal cut-off values, a variant classified as benign is not then subjected to further curation. The score for this variant resulted in a classification of benign for this disease.

Breakthrough Genomics
Classification: Benign. Review status: criteria provided, single submitter. Criteria: ACMG Guidelines, 2015. Collection method: not provided. Allele origin: germline. Inheritance: Autosomal recessive inheritance. Affected: yes.

NM_014762.4(DHCR24):c.-51G>T

Gene: DHCR24 (24-dehydrocholesterol reductase; minus strand). Cytogenetic location: 1p32.3.
Variant type: single nucleotide variant.
Coding change: c.-51G>T on transcript NM_014762.4 (MANE Select); 51 bases upstream of the start codon, G replaced by T.
Molecular consequence: 5 prime UTR variant.
Genome position (GRCh38, 1-based): chr1:54,887,170, C>A on the plus strand (G>T on the coding strand, the complement: DHCR24 is on the minus strand). VCF-style: chr1-54887170-C-A. GRCh37 (hg19) VCF-style: chr1-55352843-C-A.
Identifiers: ClinVar variation 297668 (VCV000297668.8), dbSNP rs17552526, ClinGen allele CA870949.